The following is an entry in ClinVar:

ClinVar aggregate classification (germline): Pathogenic (1 of 4 stars; one submission).

Submission:

Labcorp Genetics (formerly Invitae), Labcorp
Classification: Pathogenic. Last evaluated: 2023-07-21. Review status: criteria provided, single submitter. Criteria: Invitae Variant Classification Sherloc (09022015). Collection method: clinical testing. Allele origin: germline.
Comment: This variant is not present in population databases (gnomAD no frequency). This sequence change creates a premature translational stop signal (p.Gln34*) in the ARSG gene. It is expected to result in an absent or disrupted protein product. Loss-of-function variants in ARSG are known to be pathogenic (PMID: 26975023, 34223797). For these reasons, this variant has been classified as Pathogenic. ClinVar contains an entry for this variant (Variation ID: 852327). This variant has not been reported in the literature in individuals affected with ARSG-related conditions.

Literature cited by the submitters: PubMed 26975023; PubMed 34223797.

NM_001267727.2(ARSG):c.100C>T (p.Gln34Ter)

Gene: ARSG (arylsulfatase G; plus strand). Cytogenetic location: 17q24.2.
Variant type: single nucleotide variant.
Coding change: c.100C>T on transcript NM_001267727.2 (MANE Select); coding-DNA position 100, C replaced by T.
Protein change: p.Gln34Ter; replaces glutamine 34 with a stop codon.
Molecular consequence: nonsense.
Genome position (GRCh38, 1-based): chr17:68,307,593, C>T. VCF-style: chr17-68307593-C-T. GRCh37 (hg19) VCF-style: chr17-66303734-C-T.
Other names: c.100C>T, p.Gln34Ter (NM_001352899.2, NM_001352900.2, NM_001352901.2 and 9 more transcripts); short protein forms Q34*.
Identifiers: ClinVar variation 852327 (VCV000852327.8), dbSNP rs2076654690, ClinGen allele CA400746071.